The following is an entry in ClinVar:

ClinVar aggregate classification (germline): not provided. Review status: no classification provided (0 of 4 stars). 3 submissions from 1 submitter: not provided (3).

Conditions:
Preeclampsia. Identifiers: Orphanet 275555, MedGen C0032914, MONDO:0005081, HP:0100602.
Normal pregnancy. Identifiers: MedGen C0232989.
Large for gestational age. Identifiers: MedGen C1848395, HP:0001520.

Submissions (3):

Institute of Molecular and Cell Biology, University of Tartu
No classification provided. Condition: Normal pregnancy. Review status: no classification provided. Collection method: case-control. Allele origin: unknown. Affected: yes. Study: Kasak2014.
Comment: The study aimed to determine the contribution of copy number variants in the genetic etiology of normal and complicated pregnancies. The samples represented (i) maternal blood DNA drawn from healthy pregnant women during 1st or 2nd trimester and (ii) maternal and paternal blood DNA drawn at term pregnancy cases representing normal and complicated gestations (severe preeclampsia, PE; gestational diabetes, GD; small-for-gestational age newborn, SGA; large-for-gestational age newborn, LGA). We performed CNV calling based on genome-wide genotyping dataset (Illumina HumanOmniExpress-24-v1 BeadChip) by applying three algorithms, QuantiSNP, GADA (Genome Alteration Detection Algorithm) and CNstream in parallel. The acquired CNV calls were merged with HD-CNV (Hotspot Detector for Copy Number Variants) program and only the CNVs predicted by at least two programs, were considered in subsequent analysis.

Institute of Molecular and Cell Biology, University of Tartu
No classification provided. Condition: Large for gestational age. Review status: no classification provided. Collection method: case-control. Allele origin: unknown. Affected: yes. Study: Kasak2014.
Comment: the same text as in the submission from Institute of Molecular and Cell Biology, University of Tartu above.

Institute of Molecular and Cell Biology, University of Tartu
No classification provided. Condition: Preeclampsia. Review status: no classification provided. Collection method: case-control. Allele origin: unknown. Affected: yes. Study: Kasak2014.
Comment: the same text as in the submission from Institute of Molecular and Cell Biology, University of Tartu above.

Literature cited by the submitters: PubMed 25666259.

NM_016329.4(SFMBT1):c.-130-31769_-130-30020del

Gene: SFMBT1 (Scm like with four mbt domains 1; minus strand). Cytogenetic location: 3p21.1.
Variant type: Deletion.
Coding change: c.-130-31769_-130-30020del on transcript NM_016329.4 (MANE Select); 31769 bases into the intron before 130 bases upstream of the start codon through 30020 bases into the intron before 130 bases upstream of the start codon, 1,750 bases deleted.
Molecular consequence: intron variant.
Genome position (GRCh38, 1-based): chr3:52,999,278-53,001,027, 1,750 bases deleted. GRCh37 (hg19): chr3:53,033,295-53,035,044.
Identifiers: ClinVar variation 156849 (VCV000156849.2), ClinGen allele CA212030.